The following is an entry in ClinVar:

ClinVar aggregate classification (germline): Uncertain significance. Review status: criteria provided, multiple submitters, no conflicts (2 of 4 stars). 4 submissions from 4 submitters: Uncertain significance (4). Last evaluated 2025-07-16.

Conditions:
Hereditary cancer-predisposing syndrome. Also called: Neoplastic Syndromes, Hereditary; Tumor predisposition; Hereditary Cancer Syndrome; Hereditary neoplastic syndrome. Identifiers: Orphanet 140162, MedGen C0027672, MeSH D009386, MONDO:0015356.
Retinoblastoma (RB1). Also called: RETINOBLASTOMA, SOMATIC. Identifiers: Orphanet 790, MedGen C0035335, MeSH D012175, MONDO:0008380, OMIM 180200, HP:0009919. Disease mechanism: loss of function. Inheritance: Both sporadic and heritable forms are tested..

Allele frequency attached by ClinVar (database versions not stated): gnomAD exomes 0.00001.
gnomAD v4.1: 9 of 1,613,798 alleles (0.00056%); highest among the groups gnomAD compares: Non-Finnish European, 0.00076%; no homozygotes.

Submissions (4):

Ambry Genetics
Classification: Uncertain significance for Hereditary cancer-predisposing syndrome. Last evaluated: 2025-07-16. Review status: criteria provided, single submitter. Criteria: Ambry Variant Classification Scheme 2023. Collection method: clinical testing. Allele origin: germline.
Comment: The p.I679V variant (also known as c.2035A>G), located in coding exon 20 of the RB1 gene, results from an A to G substitution at nucleotide position 2035. The isoleucine at codon 679 is replaced by valine, an amino acid with highly similar properties. This amino acid position is well conserved in available vertebrate species. In addition, this alteration is predicted to be tolerated by in silico analysis. Since supporting evidence is limited at this time, the clinical significance of this alteration remains unclear.

All of Us Research Program, National Institutes of Health
Classification: Uncertain significance for Retinoblastoma. Last evaluated: 2024-07-10. Review status: criteria provided, single submitter. Criteria: ACMG Guidelines, 2015. Collection method: clinical testing. Allele origin: germline. Inheritance: Autosomal dominant inheritance. Observed: 3 variant alleles, 3 heterozygotes.
Comment: This missense variant replaces isoleucine with valine at codon 679 of the RB1 protein. Computational prediction suggests that this variant may not impact protein structure and function (internally defined REVEL score threshold <= 0.5, PMID: 27666373). To our knowledge, functional studies have not been reported for this variant. This variant has not been reported in individuals affected with hereditary cancer in the literature. This variant has not been identified in the general population by the Genome Aggregation Database (gnomAD). The available evidence is insufficient to determine the role of this variant in disease conclusively. Therefore, this variant is classified as a Variant of Uncertain Significance.

This study involves interpretation of variants in research participants for the purpose of population health screening. Participant phenotype was not available at the time of variant classification. Additional details can be found in publication PMID: 35346344, PMCID: PMC8962531

Color Diagnostics, LLC DBA Color Health
Classification: Uncertain significance for Retinoblastoma. Last evaluated: 2024-04-17. Review status: criteria provided, single submitter. Criteria: ACMG Guidelines, 2015. Collection method: clinical testing. Allele origin: germline.
Comment: This missense variant replaces isoleucine with valine at codon 679 of the RB1 protein. Computational prediction suggests that this variant may not impact protein structure and functio. To our knowledge, functional studies have not been reported for this variant. This variant has not been reported in individuals affected with hereditary cancer in the literature. This variant has not been identified in the general population by the Genome Aggregation Database (gnomAD). The available evidence is insufficient to determine the role of this variant in disease conclusively. Therefore, this variant is classified as a Variant of Uncertain Significance.

Labcorp Genetics (formerly Invitae), Labcorp
Classification: Uncertain significance for Retinoblastoma. Last evaluated: 2024-02-16. Review status: criteria provided, single submitter. Criteria: Invitae Variant Classification Sherloc (09022015). Collection method: clinical testing. Allele origin: germline.
Comment: This sequence change replaces isoleucine, which is neutral and non-polar, with valine, which is neutral and non-polar, at codon 679 of the RB1 protein (p.Ile679Val). This variant is not present in population databases (gnomAD no frequency). This variant has not been reported in the literature in individuals affected with RB1-related conditions. ClinVar contains an entry for this variant (Variation ID: 527918). Advanced modeling of protein sequence and biophysical properties (such as structural, functional, and spatial information, amino acid conservation, physicochemical variation, residue mobility, and thermodynamic stability) performed at Invitae indicates that this missense variant is not expected to disrupt RB1 protein function with a negative predictive value of 80%. In summary, the available evidence is currently insufficient to determine the role of this variant in disease. Therefore, it has been classified as a Variant of Uncertain Significance.

NM_000321.3(RB1):c.2035A>G (p.Ile679Val)

Gene: RB1 (RB transcriptional corepressor 1; plus strand). Cytogenetic location: 13q14.2.
Variant type: single nucleotide variant.
Coding change: c.2035A>G on transcript NM_000321.3 (MANE Select); coding-DNA position 2035, A replaced by G.
Protein change: p.Ile679Val; replaces isoleucine 679 with valine.
Molecular consequence: missense variant.
Genome position (GRCh38, 1-based): chr13:48,459,762, A>G. VCF-style: chr13-48459762-A-G. GRCh37 (hg19) VCF-style: chr13-49033898-A-G.
Other names: short protein forms I679V.
Identifiers: ClinVar variation 527918 (VCV000527918.17), dbSNP rs897199998, ClinGen allele CA249308179.